The following is an entry in ClinVar:

NM_001378454.1(ALMS1):c.4025T>G (p.Val1342Gly)

Gene: ALMS1 (ALMS1 centrosome and basal body associated protein; plus strand). Cytogenetic location: 2p13.1.
Variant type: single nucleotide variant.
Coding change: c.4025T>G on transcript NM_001378454.1 (MANE Select); coding-DNA position 4025, T replaced by G.
Protein change: p.Val1342Gly; replaces valine 1342 with glycine.
Molecular consequence: missense variant.
Genome position (GRCh38, 1-based): chr2:73,450,552, T>G. VCF-style: chr2-73450552-T-G. GRCh37 (hg19) VCF-style: chr2-73677679-T-G.
Other names: c.4028T>G, p.Val1343Gly (NM_015120.4); short protein forms V1343G, V1342G.
Identifiers: ClinVar variation 1382822 (VCV001382822.5), dbSNP rs939609171, ClinGen allele CA50393021.

ClinVar aggregate classification (germline): Uncertain significance (1 of 4 stars; one submission).

Conditions:
Alstrom syndrome (ALMS). Identifiers: Orphanet 64, MedGen C0268425, MONDO:0008763, OMIM 203800.

Submission:

Labcorp Genetics (formerly Invitae), Labcorp
Classification: Uncertain significance for Alstrom syndrome. Last evaluated: 2024-06-17. Review status: criteria provided, single submitter. Criteria: Invitae Variant Classification Sherloc (09022015). Collection method: clinical testing. Allele origin: germline.
Comment: This sequence change replaces valine with glycine at codon 1343 of the ALMS1 protein (p.Val1343Gly). The valine residue is weakly conserved and there is a moderate physicochemical difference between valine and glycine. The frequency data for this variant in the population databases is considered unreliable, as metrics indicate poor data quality at this position in the gnomAD database. This variant has not been reported in the literature in individuals affected with ALMS1-related conditions. ClinVar contains an entry for this variant (Variation ID: 1382822). Experimental studies and prediction algorithms are not available or were not evaluated, and the functional significance of this variant is currently unknown. In summary, the available evidence is currently insufficient to determine the role of this variant in disease. Therefore, it has been classified as a Variant of Uncertain Significance.